The following is an entry in ClinVar:

NM_001042492.3(NF1):c.5920A>G (p.Ile1974Val)

Gene: NF1 (neurofibromin 1; plus strand). Cytogenetic location: 17q11.2.
Variant type: single nucleotide variant.
Coding change: c.5920A>G on transcript NM_001042492.3 (MANE Select); coding-DNA position 5920, A replaced by G.
Protein change: p.Ile1974Val; replaces isoleucine 1974 with valine.
Molecular consequence: missense variant.
Genome position (GRCh38, 1-based): chr17:31,334,945, A>G. VCF-style: chr17-31334945-A-G. GRCh37 (hg19) VCF-style: chr17-29661963-A-G.
Other names: c.5857A>G, p.Ile1953Val (NM_000267.4); short protein forms I1974V, I1953V.
Identifiers: ClinVar variation 826011 (VCV000826011.12), dbSNP rs1597840159, ClinGen allele CA399010790.

ClinVar aggregate classification (germline): Uncertain significance. Review status: criteria provided, multiple submitters, no conflicts (2 of 4 stars). 3 submissions from 3 submitters: Uncertain significance (3). Last evaluated 2022-03-15.

Conditions:
Hereditary cancer-predisposing syndrome. Also called: Neoplastic Syndromes, Hereditary; Hereditary Cancer Syndrome; Hereditary neoplastic syndrome; Tumor predisposition. Identifiers: Orphanet 140162, MedGen C0027672, MeSH D009386, MONDO:0015356.
Cardiovascular phenotype. Identifiers: MedGen CN230736.
Neurofibromatosis, type 1 (NF1). Also called: Neurofibromatosis, type I; Peripheral type neurofibromatosis; VON RECKLINGHAUSEN DISEASE; NEUROFIBROMATOSIS, TYPE I, SOMATIC. Identifiers: Orphanet 636, MedGen C0027831, MONDO:0018975, OMIM 162200. Disease mechanism: loss of function.

Submissions (3):

Genome-Nilou Lab
Classification: Uncertain significance for Neurofibromatosis, type 1. Last evaluated: 2022-03-15. Review status: criteria provided, single submitter. Criteria: ACMG Guidelines, 2015. Collection method: clinical testing. Allele origin: germline. Affected: no.

Labcorp Genetics (formerly Invitae), Labcorp
Classification: Uncertain significance for Neurofibromatosis, type 1. Last evaluated: 2021-02-21. Review status: criteria provided, single submitter. Criteria: Invitae Variant Classification Sherloc (09022015). Collection method: clinical testing. Allele origin: germline.
Comment: In summary, the available evidence is currently insufficient to determine the role of this variant in disease. Therefore, it has been classified as a Variant of Uncertain Significance. Advanced modeling of protein sequence and biophysical properties (such as structural, functional, and spatial information, amino acid conservation, physicochemical variation, residue mobility, and thermodynamic stability) performed at Invitae indicates that this missense variant is not expected to disrupt NF1 protein function. This variant has not been reported in the literature in individuals with NF1-related conditions. ClinVar contains an entry for this variant (Variation ID: 826011). This variant is not present in population databases (ExAC no frequency). This sequence change replaces isoleucine with valine at codon 1953 of the NF1 protein (p.Ile1953Val). The isoleucine residue is moderately conserved and there is a small physicochemical difference between isoleucine and valine.

Ambry Genetics
Classification: Uncertain significance for Cardiovascular phenotype; Hereditary cancer-predisposing syndrome. Last evaluated: 2019-03-20. Review status: criteria provided, single submitter. Criteria: Ambry Variant Classification Scheme 2023. Collection method: clinical testing. Allele origin: germline.
Comment: The p.I1953V variant (also known as c.5857A>G), located in coding exon 39 of the NF1 gene, results from an A to G substitution at nucleotide position 5857. The isoleucine at codon 1953 is replaced by valine, an amino acid with highly similar properties. This amino acid position is highly conserved in available vertebrate species. In addition, the in silico prediction for this alteration is inconclusive. Since supporting evidence is limited at this time, the clinical significance of this alteration remains unclear.